The following is an entry in ClinVar:

NC_000007.14:g.(?_143324401)_(143331662_?)del

Gene: CLCN1 (chloride voltage-gated channel 1; plus strand). Cytogenetic location: 7q34.
Variant type: Deletion.
Identifiers: ClinVar variation 832454 (VCV000832454.1).

ClinVar aggregate classification (germline): Pathogenic (1 of 4 stars; one submission).

Conditions:
Congenital myotonia, autosomal dominant form (THD). Also called: THOMSEN DISEASE; Myotonia congenita autosomal dominant. Identifiers: Orphanet 614, MedGen C2936781, MONDO:0008055, OMIM 160800.
Congenital myotonia, autosomal recessive form. Also called: Becker Generalized Myotonia; myotonia congenita, autosomal recessive; BECKER DISEASE. Identifiers: Orphanet 614, MedGen C0751360, MONDO:0009715, OMIM 255700.

Submission:

Labcorp Genetics (formerly Invitae), Labcorp
Classification: Pathogenic for Congenital myotonia, autosomal recessive form; Congenital myotonia, autosomal dominant form. Last evaluated: 2019-12-11. Review status: criteria provided, single submitter. Criteria: Invitae Variant Classification Sherloc (09022015). Collection method: clinical testing. Allele origin: germline.
Comment: This variant is an out-of-frame deletion of the genomic region encompassing exons 7-10 of the CLCN1 gene. This is expected to create a premature translational stop signal and result in an absent or disrupted protein product. This variant has not been reported in the literature in individuals with CLCN1-related conditions. Loss-of-function variants in CLCN1 are known to be pathogenic (PMID: 17932099, 22094069, 23739125). For these reasons, this variant has been classified as Pathogenic.